The following is an entry in ClinVar:

ClinVar aggregate classification (germline): Benign. Review status: criteria provided, multiple submitters, no conflicts (2 of 4 stars). 3 submissions from 3 submitters: Benign (2). 1 of the submissions does not count toward it. Last evaluated 2018-04-20.

Conditions:
KIF26B-related disorder. Also called: KIF26B-related condition.

Allele frequency attached by ClinVar (database versions not stated): gnomAD exomes 0.00128; ExAC 0.00134; ESP Exome Variant Server 0.00365; 1000 Genomes Project 0.00459; gnomAD 0.00482 and 0.00516; TOPMed 0.00556; 1000 Genomes Project 30x 0.00593.
gnomAD v4.1: 1,500 of 1,597,670 alleles (0.094%); highest among the groups gnomAD compares: African/African-American, 1.7%; 14 homozygotes.

Submissions (3):

Labcorp Genetics (formerly Invitae), Labcorp
Classification: Benign. Last evaluated: 2018-04-20. Review status: criteria provided, single submitter. Criteria: Invitae Variant Classification Sherloc (09022015). Collection method: clinical testing. Allele origin: germline.

Breakthrough Genomics
Classification: Benign. Review status: criteria provided, single submitter. Criteria: ACMG Guidelines, 2015. Collection method: not provided. Allele origin: germline. Inheritance: Unknown mechanism. Affected: yes.

PreventionGenetics, part of Exact Sciences
Classification: Benign for KIF26B-related condition. Last evaluated: 2019-06-17. Review status: no assertion criteria provided. Collection method: clinical testing. Allele origin: germline. Not counted in ClinVar's aggregate classification.
Comment: This variant is classified as benign based on ACMG/AMP sequence variant interpretation guidelines (Richards et al. 2015 PMID: 25741868, with internal and published modifications).

NM_018012.4(KIF26B):c.5200G>A (p.Ala1734Thr)

Gene: KIF26B (kinesin family member 26B; plus strand). Cytogenetic location: 1q44.
Variant type: single nucleotide variant.
Coding change: c.5200G>A on transcript NM_018012.4 (MANE Select); coding-DNA position 5200, G replaced by A.
Protein change: p.Ala1734Thr; replaces alanine 1734 with threonine.
Molecular consequence: missense variant.
Genome position (GRCh38, 1-based): chr1:245,688,183, G>A. VCF-style: chr1-245688183-G-A. GRCh37 (hg19) VCF-style: chr1-245851485-G-A.
Other names: short protein forms A1734T.
Identifiers: ClinVar variation 715902 (VCV000715902.6), dbSNP rs200259513, ClinGen allele CA1488618.